The following is an entry in ClinVar:

ClinVar aggregate classification (germline): Uncertain significance (1 of 4 stars; one submission).

gnomAD v4.1: 3 of 1,614,192 alleles (0.00019%); highest among the groups gnomAD compares: East Asian, 0.0045%; no homozygotes.

Submission:

Women's Health and Genetics/Laboratory Corporation of America, LabCorp
Classification: Uncertain significance. Last evaluated: 2024-12-03. Review status: criteria provided, single submitter. Criteria: LabCorp Variant Classification Summary - May 2015. Collection method: clinical testing. Allele origin: germline.
Comment: Variant summary: COL12A1 c.1130A>C (p.Gln377Pro) results in a non-conservative amino acid change in the encoded protein sequence. Three of five in-silico tools predict a benign effect of the variant on protein function. The variant allele was found at a frequency of 4e-06 in 249442 control chromosomes. The available data on variant occurrences in the general population are insufficient to allow any conclusion about variant significance. To our knowledge, no occurrence of c.1130A>C in individuals affected with Ullrich congenital muscular dystrophy 2 and no experimental evidence demonstrating its impact on protein function have been reported. No submitters have cited clinical-significance assessments for this variant to ClinVar. Based on the evidence outlined above, the variant was classified as uncertain significance.

NM_004370.6(COL12A1):c.1130A>C (p.Gln377Pro)

Gene: COL12A1 (collagen type XII alpha 1 chain; minus strand). Cytogenetic location: 6q13.
Variant type: single nucleotide variant.
Coding change: c.1130A>C on transcript NM_004370.6 (MANE Select); coding-DNA position 1130, A replaced by C.
Protein change: p.Gln377Pro; replaces glutamine 377 with proline.
Molecular consequence: missense variant. On other transcripts: intron variant (2).
Genome position (GRCh38, 1-based): chr6:75,184,012, T>G on the plus strand (A>C on the coding strand, the complement: COL12A1 is on the minus strand). VCF-style: chr6-75184012-T-G. GRCh37 (hg19) VCF-style: chr6-75893728-T-G.
Other names: c.1130A>C, p.Gln377Pro (NM_001424113.1, NM_001424114.1, NM_001424115.1); c.73+18708A>C (NM_001424116.1, NM_080645.3); short protein forms Q377P.
Identifiers: ClinVar variation 3768334 (VCV003768334.1).